The following is an entry in ClinVar:

ClinVar aggregate classification (germline): Benign. Review status: criteria provided, multiple submitters, no conflicts (2 of 4 stars). 3 submissions from 3 submitters: Benign (3). Last evaluated 2021-07-10.

Conditions:
Agenesis of the corpus callosum with peripheral neuropathy (ACCPN). Also called: CHARLEVOIX DISEASE; Hereditary Motor and Sensory Neuropathy with Agenesis of the Corpus Callosum; HMSN/ACC; POLYNEUROPATHY, SENSORIMOTOR, WITH OR WITHOUT AGENESIS OF THE CORPUS CALLOSUM. Identifiers: Orphanet 1496, MedGen C0795950, MONDO:0000902, OMIM 218000. Disease mechanism: loss of function.

Allele frequency attached by ClinVar (database versions not stated): TOPMed 0.11149; gnomAD 0.09524; gnomAD exomes 0.11715; 1000 Genomes Project 0.15895.
gnomAD v4.1: 97,913 of 852,702 alleles (11%); highest among the groups gnomAD compares: East Asian, 25%; 6,460 homozygotes.

Submissions (3):

Genome-Nilou Lab
Classification: Benign for Agenesis of the corpus callosum with peripheral neuropathy. Last evaluated: 2021-07-10. Review status: criteria provided, single submitter. Criteria: ACMG Guidelines, 2015. Collection method: clinical testing. Allele origin: germline. Affected: no.

GeneDx
Classification: Benign. Last evaluated: 2018-06-19. Review status: criteria provided, single submitter. Criteria: GeneDx Variant Classification (06012015). Collection method: clinical testing. Allele origin: germline. Affected: yes.
Comment: This variant is considered likely benign or benign based on one or more of the following criteria: it is a conservative change, it occurs at a poorly conserved position in the protein, it is predicted to be benign by multiple in silico algorithms, and/or has population frequency not consistent with disease.

Breakthrough Genomics
Classification: Benign. Review status: criteria provided, single submitter. Criteria: ACMG Guidelines, 2015. Collection method: not provided. Allele origin: germline. Inheritance: Autosomal recessive inheritance. Affected: yes.

NM_001365088.1(SLC12A6):c.2042+85G>A

Gene: SLC12A6 (solute carrier family 12 member 6; minus strand). Cytogenetic location: 15q14.
Variant type: single nucleotide variant.
Coding change: c.2042+85G>A on transcript NM_001365088.1 (MANE Select); 85 bases into the intron after coding-DNA position 2042, G replaced by A.
Molecular consequence: intron variant.
Genome position (GRCh38, 1-based): chr15:34,243,889, C>T on the plus strand (G>A on the coding strand, the complement: SLC12A6 is on the minus strand). VCF-style: chr15-34243889-C-T. GRCh37 (hg19) VCF-style: chr15-34536090-C-T.
Other names: c.2015+85G>A (NM_001042496.2); c.1997+85G>A (NM_001042497.2); c.2042+85G>A (NM_133647.2); c.1889+85G>A (NM_005135.2); c.1865+85G>A (NM_001042495.2, NM_001042494.2).
Identifiers: ClinVar variation 670094 (VCV000670094.5), dbSNP rs59209438, ClinGen allele CA15855583.